The following is an entry in ClinVar:

ClinVar aggregate classification (germline): Pathogenic. Review status: criteria provided, multiple submitters, no conflicts (2 of 4 stars). 2 submissions from 2 submitters: Pathogenic (2). Last evaluated 2023-10-23.

Conditions:
Bethlem myopathy 1A. Also called: MYOPATHY, BENIGN CONGENITAL, WITH CONTRACTURES; Bethlem Muscular Dystrophy; Bethlem myopathy 1. Identifiers: Orphanet 610, MedGen CN029274, MONDO:0024530, OMIM 158810.

Submissions (2):

3billion
Classification: Pathogenic for Bethlem myopathy 1A. Last evaluated: 2023-10-23. Review status: criteria provided, single submitter. Criteria: ACMG Guidelines, 2015. Collection method: clinical testing. Allele origin: germline. Affected: yes.
Comment: The variant is not observed in the gnomAD v2.1.1 dataset. Predicted Consequence/Location: Canonical splice site: predicted to alter splicing and result in a loss or disruption of normal protein function. Multiple pathogenic loss-of-function variants are reported downstream of the variant. The variant has been reported to be associated with COL6A1-related disorder (ClinVar ID: VCV001322141). Therefore, this variant is classified as Pathogenic according to the recommendation of ACMG/AMP guideline.

Revvity Omics, Revvity
Classification: Pathogenic. Last evaluated: 2020-03-18. Review status: criteria provided, single submitter. Criteria: ACMG Guidelines, 2015. Collection method: clinical testing. Allele origin: germline.

NM_001848.3(COL6A1):c.1612-1G>A

Gene: COL6A1 (collagen type VI alpha 1 chain; plus strand). Cytogenetic location: 21q22.3.
Variant type: single nucleotide variant.
Coding change: c.1612-1G>A on transcript NM_001848.3 (MANE Select); the canonical splice acceptor site of the intron before coding-DNA position 1612, G replaced by A.
Molecular consequence: splice acceptor variant.
Genome position (GRCh38, 1-based): chr21:45,998,896, G>A. VCF-style: chr21-45998896-G-A. GRCh37 (hg19) VCF-style: chr21-47418810-G-A.
Identifiers: ClinVar variation 1322141 (VCV001322141.5), dbSNP rs112667801, ClinGen allele CA410530493.